The following is an entry in ClinVar:

ClinVar aggregate classification (germline): Pathogenic (1 of 4 stars; one submission).

Conditions:
Multiple congenital anomalies-hypotonia-seizures syndrome 1 (MCAHS1). Also called: PIGN-CDG; Congenital disorder of glycosylation due to PIGN deficiency; GLYCOSYLPHOSPHATIDYLINOSITOL BIOSYNTHESIS DEFECT 3. Identifiers: Orphanet 280633, MedGen C3279775, MONDO:0013563, OMIM 614080.

Submission:

Labcorp Genetics (formerly Invitae), Labcorp
Classification: Pathogenic for Multiple congenital anomalies-hypotonia-seizures syndrome 1. Last evaluated: 2023-07-24. Review status: criteria provided, single submitter. Criteria: Invitae Variant Classification Sherloc (09022015). Collection method: clinical testing. Allele origin: germline.
Comment: For these reasons, this variant has been classified as Pathogenic. This variant has not been reported in the literature in individuals affected with PIGN-related conditions. This variant is not present in population databases (gnomAD no frequency). This sequence change creates a premature translational stop signal (p.Lys356*) in the PIGN gene. It is expected to result in an absent or disrupted protein product. Loss-of-function variants in PIGN are known to be pathogenic (PMID: 24253414, 27038415).

Literature cited by the submitters: PubMed 24253414; PubMed 27038415.

NM_176787.5(PIGN):c.1066A>T (p.Lys356Ter)

Gene: PIGN (phosphatidylinositol glycan anchor biosynthesis class N; minus strand). Cytogenetic location: 18q21.33.
Variant type: single nucleotide variant.
Coding change: c.1066A>T on transcript NM_176787.5 (MANE Select); coding-DNA position 1066, A replaced by T.
Protein change: p.Lys356Ter; replaces lysine 356 with a stop codon.
Molecular consequence: nonsense.
Genome position (GRCh38, 1-based): chr18:62,139,033, T>A on the plus strand (A>T on the coding strand, the complement: PIGN is on the minus strand). VCF-style: chr18-62139033-T-A. GRCh37 (hg19) VCF-style: chr18-59806266-T-A.
Other names: c.1066A>T, p.Lys356Ter (NM_012327.6); short protein forms K356*.
Identifiers: ClinVar variation 2746206 (VCV002746206.3), dbSNP rs2513728771, ClinGen allele CA402607805.